The following is an entry in ClinVar:

NM_003791.4(MBTPS1):c.1631A>G (p.Asn544Ser)

Gene: MBTPS1 (membrane bound transcription factor peptidase, site 1; minus strand). Cytogenetic location: 16q23.3.
Variant type: single nucleotide variant.
Coding change: c.1631A>G on transcript NM_003791.4 (MANE Select); coding-DNA position 1631, A replaced by G.
Protein change: p.Asn544Ser; replaces asparagine 544 with serine.
Molecular consequence: missense variant.
Genome position (GRCh38, 1-based): chr16:84,070,739, T>C on the plus strand (A>G on the coding strand, the complement: MBTPS1 is on the minus strand). VCF-style: chr16-84070739-T-C. GRCh37 (hg19) VCF-style: chr16-84104344-T-C.
Other names: c.1631A>G (NM_003791.2); short protein forms N544S.
Identifiers: ClinVar variation 2154075 (VCV002154075.3), dbSNP rs151071336, ClinGen allele CA8201231.

ClinVar aggregate classification (germline): Uncertain significance. Review status: criteria provided, multiple submitters, no conflicts (2 of 4 stars). 2 submissions from 2 submitters: Uncertain significance (2). Last evaluated 2024-05-13.

Conditions:
Inborn genetic diseases. Identifiers: MedGen C0950123, MeSH D030342.

Allele frequency attached by ClinVar (database versions not stated): ESP Exome Variant Server 0.00015; gnomAD 0.00019; TOPMed 0.00021; 1000 Genomes Project 0.00040; 1000 Genomes Project 30x 0.00047.
gnomAD v4.1: 108 of 1,614,024 alleles (0.0067%); highest among the groups gnomAD compares: African/African-American, 0.025%; 1 homozygote.

Submissions (2):

Ambry Genetics
Classification: Uncertain significance for Inborn genetic diseases. Last evaluated: 2024-05-13. Review status: criteria provided, single submitter. Criteria: Ambry Variant Classification Scheme 2023. Collection method: clinical testing. Allele origin: germline.

Labcorp Genetics (formerly Invitae), Labcorp
Classification: Uncertain significance. Last evaluated: 2022-03-13. Review status: criteria provided, single submitter. Criteria: Invitae Variant Classification Sherloc (09022015). Collection method: clinical testing. Allele origin: germline.
Comment: In summary, the available evidence is currently insufficient to determine the role of this variant in disease. Therefore, it has been classified as a Variant of Uncertain Significance. Algorithms developed to predict the effect of missense changes on protein structure and function output the following: SIFT: "Tolerated"; PolyPhen-2: "Benign"; Align-GVGD: "Class C0". The serine amino acid residue is found in multiple mammalian species, which suggests that this missense change does not adversely affect protein function. This variant has not been reported in the literature in individuals affected with MBTPS1-related conditions. This variant is present in population databases (rs151071336, gnomAD 0.04%). This sequence change replaces asparagine, which is neutral and polar, with serine, which is neutral and polar, at codon 544 of the MBTPS1 protein (p.Asn544Ser).